The following is an entry in ClinVar:

NM_001003800.2(BICD2):c.1290C>T (p.Asn430=)

Gene: BICD2 (BICD cargo adaptor 2; minus strand). Cytogenetic location: 9q22.31.
Variant type: single nucleotide variant.
Coding change: c.1290C>T on transcript NM_001003800.2 (MANE Select); coding-DNA position 1290, C replaced by T.
Protein change: p.Asn430=; no amino-acid change (asparagine 430 retained).
Molecular consequence: synonymous variant.
Genome position (GRCh38, 1-based): chr9:92,719,355, G>A on the plus strand (C>T on the coding strand, the complement: BICD2 is on the minus strand). VCF-style: chr9-92719355-G-A. GRCh37 (hg19) VCF-style: chr9-95481637-G-A.
Other names: p.Asn430=; c.1290C>T, p.Asn430= (NM_015250.4).
Identifiers: ClinVar variation 2098892 (VCV002098892.5), dbSNP rs748660498, ClinGen allele CA5126591.

ClinVar aggregate classification (germline): Benign/Likely benign. Review status: criteria provided, multiple submitters, no conflicts (2 of 4 stars). 2 submissions from 2 submitters: Benign (1); Likely benign (1). Last evaluated 2025-09-30.

Conditions:
Autosomal dominant childhood-onset proximal spinal muscular atrophy with contractures (SMALED2A). Also called: SPINAL MUSCULAR ATROPHY, LOWER EXTREMITY-PREDOMINANT, 2A, CHILDHOOD ONSET, AUTOSOMAL DOMINANT; Spinal muscular atrophy, lower extremity-predominant, 2A, autosomal dominant. Identifiers: Orphanet 363447, Orphanet 363454, MedGen C4747715, MONDO:0014121, OMIM 615290.

Allele frequency attached by ClinVar (database versions not stated): TOPMed 0.00002; gnomAD 0.00004; 1000 Genomes Project 30x 0.00031; ExAC 0.00006.
gnomAD v4.1: 66 of 1,614,200 alleles (0.0041%); highest among the groups gnomAD compares: South Asian, 0.052%; no homozygotes.

Submissions (2):

Labcorp Genetics (formerly Invitae), Labcorp
Classification: Benign for Autosomal dominant childhood-onset proximal spinal muscular atrophy with contractures. Last evaluated: 2025-09-30. Review status: criteria provided, single submitter. Criteria: Invitae Variant Classification Sherloc (09022015). Collection method: clinical testing. Allele origin: germline.

Mayo Clinic Laboratories, Mayo Clinic
Classification: Likely benign. Last evaluated: 2025-07-21. Review status: criteria provided, single submitter. Criteria: ACMG Guidelines, 2015. Collection method: clinical testing. Allele origin: germline. Observed: 1 variant allele.
Comment: BP4, BP7